The following is an entry in ClinVar:

NM_032271.3(TRAF7):c.1223G>A (p.Gly408Asp)

Gene: TRAF7 (TNF receptor associated factor 7; plus strand). Cytogenetic location: 16p13.3.
Variant type: single nucleotide variant.
Coding change: c.1223G>A on transcript NM_032271.3 (MANE Select); coding-DNA position 1223, G replaced by A.
Protein change: p.Gly408Asp; replaces glycine 408 with aspartic acid.
Molecular consequence: missense variant.
Genome position (GRCh38, 1-based): chr16:2,174,008, G>A. VCF-style: chr16-2174008-G-A. GRCh37 (hg19) VCF-style: chr16-2224009-G-A.
Other names: short protein forms G408D.
Identifiers: ClinVar variation 5031088 (VCV005031088.1).

ClinVar aggregate classification (germline): Likely pathogenic (1 of 4 stars; one submission).

Conditions:
Inborn genetic diseases. Identifiers: MedGen C0950123, MeSH D030342.

Submission:

Ambry Genetics
Classification: Likely pathogenic for Inborn genetic diseases. Last evaluated: 2026-07-31. Review status: criteria provided, single submitter. Criteria: Ambry Variant Classification Scheme 2023. Collection method: clinical testing. Allele origin: germline.
Comment: The c.1223G>A (p.G408D) alteration is located in exon 13 (coding exon 12) of the TRAF7 gene. This alteration results from a G to A substitution at nucleotide position 1223, causing the glycine (G) at amino acid position 408 to be replaced by an aspartic acid (D). This variant was not reported in population-based cohorts in the Genome Aggregation Database (gnomAD). This variant was determined to be de novo in at least one individual with features consistent with TRAF7-related neurodevelopmental disorder (Castilla-Vallmanya, 2020). This amino acid position is highly conserved in available vertebrate species. The in silico prediction for this alteration is inconclusive. Based on the available evidence, this alteration is classified as likely pathogenic.

Literature cited by the submitters: PubMed 32376980.